The following is an entry in ClinVar:

ClinVar aggregate classification (germline): Uncertain significance. Review status: criteria provided, multiple submitters, no conflicts (2 of 4 stars). 2 submissions from 2 submitters: Uncertain significance (2). Last evaluated 2025-06-12.

Conditions:
Deficiency of steroid 11-beta-monooxygenase (CYP11B1). Also called: 11-BETA-HYDROXYLASE DEFICIENCY; Congenital adrenal hyperplasia due to 11-beta-hydroxylase deficiency; P450C11B1 DEFICIENCY; STEROID 11-BETA-HYDROXYLASE DEFICIENCY; ADRENAL HYPERPLASIA IV; ADRENAL HYPERPLASIA, CONGENITAL, DUE TO STEROID 11-BETA-HYDROXYLASE DEFICIENCY. Identifiers: Orphanet 90795, MedGen C0268292, MONDO:0008729, OMIM 202010. Disease mechanism: loss of function.
Glucocorticoid-remediable aldosteronism. Also called: ACTH-DEPENDENT HYPERALDOSTERONISM SYNDROME; ALDOSTERONISM, SENSITIVE TO DEXAMETHASONE; FH I; GLUCOCORTICOID-SUPPRESSIBLE HYPERALDOSTERONISM; Hyperaldosteronism, familial, type I. Identifiers: Orphanet 403, MedGen C3838731, MONDO:0007080, OMIM 103900.

Allele frequency attached by ClinVar (database versions not stated): ExAC 0.00002; 1000 Genomes Project 0.00020; 1000 Genomes Project 30x 0.00031.

Submissions (2):

Labcorp Genetics (formerly Invitae), Labcorp
Classification: Uncertain significance. Last evaluated: 2025-06-12. Review status: criteria provided, single submitter. Criteria: Invitae Variant Classification Sherloc (09022015). Collection method: clinical testing. Allele origin: germline.
Comment: This sequence change replaces histidine, which is basic and polar, with leucine, which is neutral and non-polar, at codon 109 of the CYP11B1 protein (p.His109Leu). This variant is present in population databases (rs575153163, gnomAD 0.01%). This variant has not been reported in the literature in individuals affected with CYP11B1-related conditions. ClinVar contains an entry for this variant (Variation ID: 2733582). Invitae Evidence Modeling of protein sequence and biophysical properties (such as structural, functional, and spatial information, amino acid conservation, physicochemical variation, residue mobility, and thermodynamic stability) indicates that this missense variant is not expected to disrupt CYP11B1 protein function with a negative predictive value of 95%. In summary, the available evidence is currently insufficient to determine the role of this variant in disease. Therefore, it has been classified as a Variant of Uncertain Significance.

Fulgent Genetics
Classification: Uncertain significance for Glucocorticoid-remediable aldosteronism; Deficiency of steroid 11-beta-monooxygenase. Last evaluated: 2024-02-13. Review status: criteria provided, single submitter. Criteria: ACMG Guidelines, 2015. Collection method: clinical testing. Allele origin: germline.

NM_000497.4(CYP11B1):c.326A>T (p.His109Leu)

Gene: CYP11B1 (cytochrome P450 family 11 subfamily B member 1; minus strand). Cytogenetic location: 8q24.3.
Variant type: single nucleotide variant.
Coding change: c.326A>T on transcript NM_000497.4 (MANE Select); coding-DNA position 326, A replaced by T.
Protein change: p.His109Leu; replaces histidine 109 with leucine.
Molecular consequence: missense variant.
Genome position (GRCh38, 1-based): chr8:142,879,101, T>A on the plus strand (A>T on the coding strand, the complement: CYP11B1 is on the minus strand). VCF-style: chr8-142879101-T-A. GRCh37 (hg19) VCF-style: chr8-143960517-T-A.
Other names: c.326A>T, p.His109Leu (NM_001026213.1); short protein forms H109L.
Identifiers: ClinVar variation 2733582 (VCV002733582.4), dbSNP rs575153163, ClinGen allele CA4905558.